The following is an entry in ClinVar:

NM_001365088.1(SLC12A6):c.206C>G (p.Ser69Trp)

Gene: SLC12A6 (solute carrier family 12 member 6; minus strand). Cytogenetic location: 15q14.
Variant type: single nucleotide variant.
Coding change: c.206C>G on transcript NM_001365088.1 (MANE Select); coding-DNA position 206, C replaced by G.
Protein change: p.Ser69Trp; replaces serine 69 with tryptophan.
Molecular consequence: missense variant.
Genome position (GRCh38, 1-based): chr15:34,336,475, G>C on the plus strand (C>G on the coding strand, the complement: SLC12A6 is on the minus strand). VCF-style: chr15-34336475-G-C. GRCh37 (hg19) VCF-style: chr15-34628676-G-C.
Other names: c.29C>G, p.Ser10Trp (NM_001042494.2, NM_001042495.2); c.179C>G, p.Ser60Trp (NM_001042496.2); c.206C>G, p.Ser69Trp (NM_001042497.2, NM_133647.2); c.206C>G (NM_133647.1); short protein forms S10W, S69W, S60W.
Identifiers: ClinVar variation 1428175 (VCV001428175.8), dbSNP rs1018860694, ClinGen allele CA268641701.
Genomic context (GRCh38, chr15:34,336,475, plus strand): 5'-ATGACATCCTGGGGGTGAGAAGTCCGGTCACTGGGTGGATCCAGTGCAACAGTTGCCAGC[G>C]AAGTGGTGGCCCCAGACATCTCACTCATAGGCTCACTCCGGCTTGTTTCAGGCACGCTTT-3'
Protein context (NP_001352017.1, residues 59-79): PMSEMSGATT[Ser69Trp]LATVALDPPS

ClinVar aggregate classification (germline): Uncertain significance. Review status: criteria provided, multiple submitters, no conflicts (2 of 4 stars). 3 submissions from 3 submitters: Uncertain significance (3). Last evaluated 2026-08-01.

Allele frequency attached by ClinVar (database versions not stated): TOPMed below 0.00001; gnomAD 0.00001; gnomAD exomes 0.00002.
gnomAD v4.1: 13 of 1,613,302 alleles (0.00081%); highest among the groups gnomAD compares: East Asian, 0.0022%; no homozygotes.

Submissions (3):

CeGaT Center for Human Genetics Tuebingen
Classification: Uncertain significance. Last evaluated: 2026-08-01. Review status: criteria provided, single submitter. Criteria: CeGaT Center For Human Genetics Tuebingen Variant Classification Criteria Version 2. Collection method: clinical testing. Allele origin: germline. Affected: yes. Observed: 1 variant allele.
Comment: SLC12A6: PM2

GeneDx
Classification: Uncertain significance. Last evaluated: 2025-08-13. Review status: criteria provided, single submitter. Criteria: GeneDx Variant Classification Process June 2021. Collection method: clinical testing. Allele origin: germline. Affected: yes.
Comment: In silico analysis supports that this missense variant has a deleterious effect on protein structure/function; Has not been previously published as pathogenic or benign to our knowledge

Labcorp Genetics (formerly Invitae), Labcorp
Classification: Uncertain significance. Last evaluated: 2024-10-15. Review status: criteria provided, single submitter. Criteria: Invitae Variant Classification Sherloc (09022015). Collection method: clinical testing. Allele origin: germline.
Comment: This sequence change replaces serine, which is neutral and polar, with tryptophan, which is neutral and slightly polar, at codon 69 of the SLC12A6 protein (p.Ser69Trp). This variant is present in population databases (no rsID available, gnomAD 0.004%). This variant has not been reported in the literature in individuals affected with SLC12A6-related conditions. ClinVar contains an entry for this variant (Variation ID: 1428175). Invitae Evidence Modeling of protein sequence and biophysical properties (such as structural, functional, and spatial information, amino acid conservation, physicochemical variation, residue mobility, and thermodynamic stability) indicates that this missense variant is not expected to disrupt SLC12A6 protein function with a negative predictive value of 95%. In summary, the available evidence is currently insufficient to determine the role of this variant in disease. Therefore, it has been classified as a Variant of Uncertain Significance.